The following is an entry in ClinVar:

NM_001165963.4(SCN1A):c.423C>A (p.Asn141Lys)

Gene: SCN1A (sodium voltage-gated channel alpha subunit 1; minus strand). Cytogenetic location: 2q24.3.
Variant type: single nucleotide variant.
Coding change: c.423C>A on transcript NM_001165963.4 (MANE Select); coding-DNA position 423, C replaced by A.
Protein change: p.Asn141Lys; replaces asparagine 141 with lysine.
Molecular consequence: missense variant. On other transcripts: 5 prime UTR variant (1), non-coding transcript variant (1).
Genome position (GRCh38, 1-based): chr2:166,056,461, G>T on the plus strand (C>A on the coding strand, the complement: SCN1A is on the minus strand). VCF-style: chr2-166056461-G-T. GRCh37 (hg19) VCF-style: chr2-166912971-G-T.
Other names: c.423C>A, p.Asn141Lys (NM_001165964.3, NM_001202435.3, NM_001353948.2 and 10 more transcripts); c.-2003C>A (NM_001353961.2); short protein forms N141K.
Identifiers: ClinVar variation 583385 (VCV000583385.10), dbSNP rs1559249734, ClinGen allele CA349076016.

ClinVar aggregate classification (germline): Conflicting classifications of pathogenicity. Review status: criteria provided, conflicting classifications (1 of 4 stars). 2 submissions from 2 submitters: Pathogenic (1); Uncertain significance (1). Last evaluated 2024-11-05.

Conditions:
Early-infantile DEE. Also called: Early infantile epileptic encephalopathy with suppression bursts; Early infantile epileptic encephalopathy; Ohtahara syndrome. Identifiers: Orphanet 1934, MedGen C0393706, MONDO:0800491.

Submissions (2):

Labcorp Genetics (formerly Invitae), Labcorp
Classification: Pathogenic for Early-infantile DEE. Last evaluated: 2024-11-05. Review status: criteria provided, single submitter. Criteria: Invitae Variant Classification Sherloc (09022015). Collection method: clinical testing. Allele origin: germline.
Comment: This sequence change replaces asparagine, which is neutral and polar, with lysine, which is basic and polar, at codon 141 of the SCN1A protein (p.Asn141Lys). This variant is not present in population databases (gnomAD no frequency). This missense change has been observed in individual(s) with clinical features of SCN1A-related conditions (internal data). In at least one individual the variant was observed to be de novo. ClinVar contains an entry for this variant (Variation ID: 583385). Invitae Evidence Modeling of protein sequence and biophysical properties (such as structural, functional, and spatial information, amino acid conservation, physicochemical variation, residue mobility, and thermodynamic stability) indicates that this missense variant is expected to disrupt SCN1A protein function with a positive predictive value of 95%. For these reasons, this variant has been classified as Pathogenic.

Blueprint Genetics
Classification: Uncertain significance. Last evaluated: 2022-06-09. Review status: criteria provided, single submitter. Criteria: ACMG Guidelines, 2015. Collection method: clinical testing. Allele origin: germline.